The following is an entry in ClinVar:

NM_000222.3(KIT):c.389del (p.Asn130fs)

Gene: KIT (KIT proto-oncogene, receptor tyrosine kinase; plus strand). Cytogenetic location: 4q12.
Variant type: Deletion.
Coding change: c.389del on transcript NM_000222.3 (MANE Select); coding-DNA position 389, one base deleted (A; older notation c.389delA).
Protein change: p.Asn130fs; shifts the reading frame from asparagine 130.
Molecular consequence: frameshift variant.
Genome position (GRCh38, 1-based): chr4:54,698,335, A deleted; the last of 2 consecutive A bases (chr4:54,698,334-54,698,335); deleting either gives the same sequence. VCF-style (leftmost placement, unchanged base first): chr4-54698333-CA-C. GRCh37 (hg19) VCF-style: chr4-55564499-CA-C.
Other names: c.389delA (NM_000222.2); c.389del, p.Asn130fs (NM_001093772.2, NM_001385284.1, NM_001385285.1 and 4 more transcripts); short protein forms N130fs.
Identifiers: ClinVar variation 569047 (VCV000569047.7), dbSNP rs1560395607, ClinGen allele CA891843210.
Genomic context (GRCh38, chr4:54,698,333, plus strand): 5'-TGCTTCTATAGATCCTGCCAAGCTTTTCCTTGTTGACCGCTCCTTGTATGGGAAAGAAGA[CA>C]ACGACACGCTGGTCCGCTGTCCTCTCACAGACCCAGAAGTGACCAATTATTCCCTCAAGG-3'

ClinVar aggregate classification (germline): Pathogenic (1 of 4 stars; one submission).

Conditions:
Gastrointestinal stromal tumor. Also called: Gastrointestinal stromal tumor, somatic; Gastrointestinal stroma tumor. Identifiers: Orphanet 44890, MedGen C0238198, MeSH D046152, MONDO:0011719, OMIM 606764, HP:0100723.

Submission:

Labcorp Genetics (formerly Invitae), Labcorp
Classification: Pathogenic for Gastrointestinal stromal tumor. Last evaluated: 2018-03-20. Review status: criteria provided, single submitter. Criteria: Invitae Variant Classification Sherloc (09022015). Collection method: clinical testing. Allele origin: germline.
Comment: Loss-of-function variants in KIT are known to be pathogenic (PMID: 15194144). For these reasons, this variant has been classified as Pathogenic. This variant has not been reported in the literature in individuals with KIT-related disease. This variant is not present in population databases (ExAC no frequency). This sequence change creates a premature translational stop signal (p.Asn130Thrfs*14) in the KIT gene. It is expected to result in an absent or disrupted protein product.

Literature cited by the submitters: PubMed 15194144.